The following is an entry in ClinVar:

ClinVar aggregate classification (germline): Uncertain significance (1 of 4 stars; one submission).

Conditions:
Hereditary cancer-predisposing syndrome. Also called: Neoplastic Syndromes, Hereditary; Tumor predisposition; Hereditary neoplastic syndrome; Hereditary Cancer Syndrome. Identifiers: Orphanet 140162, MedGen C0027672, MeSH D009386, MONDO:0015356.

gnomAD v4.1: 1 of 1,613,922 alleles (0.000062%); highest among the groups gnomAD compares: East Asian, 0.0022%; no homozygotes.

Submission:

Ambry Genetics
Classification: Uncertain significance for Hereditary cancer-predisposing syndrome. Last evaluated: 2026-08-31. Review status: criteria provided, single submitter. Criteria: Ambry Variant Classification Scheme 2023. Collection method: clinical testing. Allele origin: germline.
Comment: The p.N51K variant (also known as c.153C>G), located in coding exon 2 of the NBN gene, results from a C to G substitution at nucleotide position 153. The asparagine at codon 51 is replaced by lysine, an amino acid with similar properties. This amino acid position is conserved. In addition, this alteration is predicted to be tolerated by in silico analysis. Based on the available evidence, the clinical significance of this variant remains unclear.

NM_002485.5(NBN):c.153C>G (p.Asn51Lys)

Gene: NBN (nibrin; minus strand). Cytogenetic location: 8q21.3.
Variant type: single nucleotide variant.
Coding change: c.153C>G on transcript NM_002485.5 (MANE Select); coding-DNA position 153, C replaced by G.
Protein change: p.Asn51Lys; replaces asparagine 51 with lysine.
Molecular consequence: missense variant. On other transcripts: 5 prime UTR variant (3).
Genome position (GRCh38, 1-based): chr8:89,982,740, G>C on the plus strand (C>G on the coding strand, the complement: NBN is on the minus strand). VCF-style: chr8-89982740-G-C. GRCh37 (hg19) VCF-style: chr8-90994968-G-C.
Other names: c.-144C>G (NM_001024688.3, NM_001440380.1); c.-94C>G (NM_001440379.1); short protein forms N51K.
Identifiers: ClinVar variation 5025420 (VCV005025420.1).
Genomic context (GRCh38, chr8:89,982,740, plus strand): 5'-ACCCCCTTACTGGAAACTAGTGAAATAAAATTAGTAACATACCAGGTTGGTTACAGAAAA[G>C]TTAGCAGTTAACACAGCATGATTTCGGCTGATCGACTGATCATTTTCAATCAGAATGGCA-3'
Protein context (NP_002476.2, residues 41-61): ISRNHAVLTA[Asn51Lys]FSVTNLSQTD